The following is an entry in ClinVar:

ClinVar aggregate classification (germline): Likely benign. Review status: criteria provided, multiple submitters, no conflicts (2 of 4 stars). 2 submissions from 2 submitters: Likely benign (2). Last evaluated 2026-06-01.

gnomAD v4.1: 40 of 1,613,992 alleles (0.0025%); highest among the groups gnomAD compares: Admixed American, 0.0083%; no homozygotes.

Submissions (2):

CeGaT Center for Human Genetics Tuebingen
Classification: Likely benign. Last evaluated: 2026-06-01. Review status: criteria provided, single submitter. Criteria: CeGaT Center For Human Genetics Tuebingen Variant Classification Criteria Version 2. Collection method: clinical testing. Allele origin: germline. Affected: yes. Observed: 1 variant allele.
Comment: RNF216: BP4, BP7

Blueprint Genetics
Classification: Likely benign. Last evaluated: 2022-03-17. Review status: criteria provided, single submitter. Criteria: ACMG Guidelines, 2015. Collection method: clinical testing. Allele origin: germline.

NM_207111.4(RNF216):c.831G>A (p.Pro277=)

Gene: RNF216 (ring finger protein 216; minus strand). Cytogenetic location: 7p22.1.
Variant type: single nucleotide variant.
Coding change: c.831G>A on transcript NM_207111.4 (MANE Select); coding-DNA position 831, G replaced by A.
Protein change: p.Pro277=; no amino-acid change (proline 277 retained).
Molecular consequence: synonymous variant.
Genome position (GRCh38, 1-based): chr7:5,741,186, C>T on the plus strand (G>A on the coding strand, the complement: RNF216 is on the minus strand). VCF-style: chr7-5741186-C-T. GRCh37 (hg19) VCF-style: chr7-5780817-C-T.
Other names: c.660G>A, p.Pro220= (NM_001377156.1, NM_207116.3).
Identifiers: ClinVar variation 4874170 (VCV004874170.3).